The following is an entry in ClinVar:

ClinVar aggregate classification (germline): Uncertain significance (1 of 4 stars; one submission).

Submission:

GeneDx
Classification: Uncertain significance. Last evaluated: 2026-04-09. Review status: criteria provided, single submitter. Criteria: GeneDx Variant Classification Process June 2021. Collection method: clinical testing. Allele origin: germline.
Comment: Not observed at significant frequency in large population cohorts (gnomAD); In silico analysis supports that this missense variant has a deleterious effect on protein structure/function; Has not been previously published as pathogenic or benign to our knowledge

NM_001278064.2(GRM1):c.1322C>T (p.Ala441Val)

Gene: GRM1 (glutamate metabotropic receptor 1; plus strand). Cytogenetic location: 6q24.3.
Variant type: single nucleotide variant.
Coding change: c.1322C>T on transcript NM_001278064.2 (MANE Select); coding-DNA position 1322, C replaced by T.
Protein change: p.Ala441Val; replaces alanine 441 with valine.
Molecular consequence: missense variant.
Genome position (GRCh38, 1-based): chr6:146,352,385, C>T. VCF-style: chr6-146352385-C-T. GRCh37 (hg19) VCF-style: chr6-146673521-C-T.
Other names: c.1322C>T, p.Ala441Val (NM_001278065.2, NM_001278066.1, NM_001278067.1); short protein forms A441V.
Identifiers: ClinVar variation 5018375 (VCV005018375.1).